The following is an entry in ClinVar:

ClinVar aggregate classification (germline): Uncertain significance (1 of 4 stars; one submission).

Submission:

Labcorp Genetics (formerly Invitae), Labcorp
Classification: Uncertain significance. Last evaluated: 2025-11-28. Review status: criteria provided, single submitter. Criteria: Invitae Variant Classification Sherloc (09022015). Collection method: clinical testing. Allele origin: germline.
Comment: This sequence change replaces valine, which is neutral and non-polar, with glycine, which is neutral and non-polar, at codon 655 of the SON protein (p.Val655Gly). This variant is not present in population databases (gnomAD no frequency). This variant has not been reported in the literature in individuals affected with SON-related conditions. An algorithm developed to predict the effect of missense changes on protein structure and function outputs the following: PolyPhen-2: "Probably Damaging". The glycine amino acid residue is found in multiple mammalian species, which suggests that this missense change does not adversely affect protein function. In summary, the available evidence is currently insufficient to determine the role of this variant in disease. Therefore, it has been classified as a Variant of Uncertain Significance.

NM_138927.4(SON):c.1964T>G (p.Val655Gly)

Gene: SON (SON DNA and RNA binding protein; plus strand). Cytogenetic location: 21q22.11.
Variant type: single nucleotide variant.
Coding change: c.1964T>G on transcript NM_138927.4 (MANE Select); coding-DNA position 1964, T replaced by G.
Protein change: p.Val655Gly; replaces valine 655 with glycine.
Molecular consequence: missense variant. On other transcripts: non-coding transcript variant (1), intron variant (1).
Genome position (GRCh38, 1-based): chr21:33,551,195, T>G. VCF-style: chr21-33551195-T-G. GRCh37 (hg19) VCF-style: chr21-34923501-T-G.
Other names: c.1964T>G, p.Val655Gly (NM_001291411.2, NM_032195.3); c.244+4816T>G (NM_001291412.3); short protein forms V655G.
Identifiers: ClinVar variation 4732216 (VCV004732216.1).